The following is an entry in ClinVar:

ClinVar aggregate classification (germline): Uncertain significance (1 of 4 stars; one submission).

Submission:

GeneDx
Classification: Uncertain significance. Last evaluated: 2019-04-29. Review status: criteria provided, single submitter. Criteria: GeneDx Variant Classification Process June 2021. Collection method: clinical testing. Allele origin: germline. Affected: yes.
Comment: Has not been previously published as pathogenic or benign to our knowledge; Not observed in large population cohorts (Lek et al., 2016); In silico analysis, which includes protein predictors and evolutionary conservation, supports a deleterious effect

NM_000384.3(APOB):c.10031A>C (p.Lys3344Thr)

Gene: APOB (apolipoprotein B; minus strand). Cytogenetic location: 2p24.1.
Variant type: single nucleotide variant.
Coding change: c.10031A>C on transcript NM_000384.3 (MANE Select); coding-DNA position 10031, A replaced by C.
Protein change: p.Lys3344Thr; replaces lysine 3344 with threonine.
Molecular consequence: missense variant.
Genome position (GRCh38, 1-based): chr2:21,006,837, T>G on the plus strand (A>C on the coding strand, the complement: APOB is on the minus strand). VCF-style: chr2-21006837-T-G. GRCh37 (hg19) VCF-style: chr2-21229709-T-G.
Other names: short protein forms K3344T.
Identifiers: ClinVar variation 1305500 (VCV001305500.2), dbSNP rs2103352338, ClinGen allele CA345987794.